The following is an entry in ClinVar:

ClinVar aggregate classification (germline): Uncertain significance (1 of 4 stars; one submission).

Conditions:
Myofibrillar myopathy 3 (MFM3). Also called: Autosomal dominant spheroid body myopathy; Muscular dystrophy, proximal, type 1A. Identifiers: Orphanet 266, Orphanet 268129, MedGen C3714934, MONDO:0012215, OMIM 609200.

Submission:

Labcorp Genetics (formerly Invitae), Labcorp
Classification: Uncertain significance for Myofibrillar myopathy 3. Last evaluated: 2024-07-24. Review status: criteria provided, single submitter. Criteria: Invitae Variant Classification Sherloc (09022015). Collection method: clinical testing. Allele origin: germline.
Comment: This sequence change replaces asparagine, which is neutral and polar, with histidine, which is basic and polar, at codon 286 of the MYOT protein (p.Asn286His). This variant is not present in population databases (gnomAD no frequency). This variant has not been reported in the literature in individuals affected with MYOT-related conditions. An algorithm developed to predict the effect of missense changes on protein structure and function (PolyPhen-2) suggests that this variant is likely to be disruptive. In summary, the available evidence is currently insufficient to determine the role of this variant in disease. Therefore, it has been classified as a Variant of Uncertain Significance.

NM_006790.3(MYOT):c.856A>C (p.Asn286His)

Genes: MYOT (myotilin; plus strand), PKD2L2-DT (PKD2L2 divergent transcript; minus strand). Cytogenetic location: 5q31.2.
Variant type: single nucleotide variant.
Coding change: c.856A>C on transcript NM_006790.3 (MANE Select); coding-DNA position 856, A replaced by C.
Protein change: p.Asn286His; replaces asparagine 286 with histidine.
Molecular consequence: missense variant.
Genome position (GRCh38, 1-based): chr5:137,883,423, A>C. VCF-style: chr5-137883423-A-C. GRCh37 (hg19) VCF-style: chr5-137219112-A-C.
Other names: c.304A>C, p.Asn102His (NM_001135940.2); c.511A>C, p.Asn171His (NM_001300911.2); short protein forms N286H, N171H, N102H.
Identifiers: ClinVar variation 3660478 (VCV003660478.2).
Genomic context (GRCh38, chr5:137,883,423, plus strand): 5'-TCCTTGTGTTTTTCTTTCTAGGTGAGTGGACTGCCAGCTCCTGATGTGTCATGGTATCTA[A>C]ATGGAAGAACAGTTCAATCAGATGATTTGCACAAAATGATAGTGTCTGAGAAGGGTCTTC-3'
Protein context (NP_006781.1, residues 276-296): LPAPDVSWYL[Asn286His]GRTVQSDDLH